The following is an entry in ClinVar:

ClinVar aggregate classification (germline): Pathogenic. Review status: criteria provided, multiple submitters, no conflicts (2 of 4 stars). 7 submissions from 7 submitters: Pathogenic (4). 3 of the submissions do not count toward it. Last evaluated 2025-02-11.

Conditions:
Lethal congenital contractural syndrome Finnish type.
GLE1-related disorder. Also called: GLE1-related disorders; GLE1-related condition.
Lethal arthrogryposis-anterior horn cell disease syndrome (CAAHD). Also called: CONGENITAL ARTHROGRYPOSIS WITH ANTERIOR HORN CELL DISEASE. Identifiers: Orphanet 53696, MedGen C5193016, MONDO:0012750, OMIM 611890.
Lethal congenital contracture syndrome 1 (LCCS1). Also called: MULTIPLE CONTRACTURE SYNDROME, FINNISH TYPE. Identifiers: Orphanet 1486, MedGen C1854664, MONDO:0009670, OMIM 253310.

Allele frequency attached by ClinVar (database versions not stated): gnomAD exomes 0.00033 and 0.00097; TOPMed 0.00003; gnomAD 0.00082 and 0.00075; ExAC 0.00037.
gnomAD v4.1: 541 of 1,498,144 alleles (0.036%); highest among the groups gnomAD compares: South Asian, 0.0036%; no homozygotes.

Submissions (7):

Natera, Inc.
Classification: Pathogenic for Lethal congenital contractural syndrome Finnish type. Last evaluated: 2025-02-11. Review status: criteria provided, single submitter. Criteria: Natera Variant Classification Schema (03/2026). Collection method: clinical testing. Allele origin: germline.
Comment: The c.433-10A>G variant in GLE1 is an intronic variant located outside the canonical splice sites. The frequency of this variant in the general population is greater than expected for disorder. This variant has been observed in one or more individuals affected with the associated recessive disease, as either homozygous or compound heterozygous with a second variant (PMID: 18204449). Computational prediction algorithms indicate this variant is likely to affect gene or protein function. Given the available evidence, this variant is classified as Pathogenic.

Blueprint Genetics
Classification: Pathogenic for GLE1-related disorders. Last evaluated: 2024-08-20. Review status: criteria provided, single submitter. Criteria: ACMG Guidelines, 2015. Collection method: clinical testing. Allele origin: germline. Affected: yes. Observed: 5 variant alleles.

Labcorp Genetics (formerly Invitae), Labcorp
Classification: Pathogenic. Last evaluated: 2023-11-17. Review status: criteria provided, single submitter. Criteria: Invitae Variant Classification Sherloc (09022015). Collection method: clinical testing. Allele origin: germline.
Comment: This sequence change falls in intron 3 of the GLE1 gene. It does not directly change the encoded amino acid sequence of the GLE1 protein. The frequency data for this variant in the population databases is considered unreliable, as metrics indicate poor data quality at this position in the gnomAD database. This variant has been observed in individuals with lethal congenital contracture syndrome (PMID: 7770128, 16892327, 18204449). It is commonly reported in individuals of Finnish ancestry (PMID: 7770128, 16892327, 18204449). This variant is also known as Fin(Major). ClinVar contains an entry for this variant (Variation ID: 6462). Algorithms developed to predict the effect of variants on protein structure and function are not available or were not evaluated for this variant. Experimental studies have shown that this variant affects GLE1 function (PMID: 24243016). Algorithms developed to predict the effect of sequence changes on RNA splicing suggest that this variant may disrupt the consensus splice site. For these reasons, this variant has been classified as Pathogenic.

Juno Genomics, Hangzhou Juno Genomics, Inc
Classification: Pathogenic for Lethal arthrogryposis-anterior horn cell disease syndrome; Lethal congenital contracture syndrome 1. Review status: criteria provided, single submitter. Criteria: ACMG Guidelines, 2015. Collection method: clinical testing. Allele origin: germline.
Comment: Absent from controls (or at extremely low frequency if recessive) in Genome Aggregation Database.;Well-established in vitro or in vivo functional studies supportive of a damaging effect on the gene or gene product.;For recessive disorders, detected in trans with a pathogenic variant.;Patient's phenotype or family history is highly specific for a disease with a single genetic etiology.

Reproductive Health Research and Development, BGI Genomics
Classification: Pathogenic for Lethal congenital contracture syndrome 1. Last evaluated: 2020-01-06. Review status: no assertion criteria provided. Collection method: curation. Allele origin: germline. Not counted in ClinVar's aggregate classification.
Comment: NG_012073.1(NM_001003722.1):c.433-10A>G in the GLE1 gene has an allele frequency of 0.012 in European (Finnish) subpopulation in the gnomAD database. This variant has been observed in individuals affected with lethal congenital contracture syndrome (PMID: 18204449) and is a founder variant in the Finnish population (PMID: 16892327; 7770128). Experimental studies have shown that this intronic change leads to aberrant mRNA splicing, resulting in a GLE1 protein with defective oligomerization (PMID: 24243016). Taken together, we interprete this variant as Pathogenic/Likely pathogenic. ACMG/AMP Criteria applied: PS4; PS3; PP4.

OMIM
Classification: Pathogenic for LETHAL CONGENITAL CONTRACTURE SYNDROME 1. Last evaluated: 2008-02-01. Review status: no assertion criteria provided. Collection method: literature only. Allele origin: germline. Not counted in ClinVar's aggregate classification.

Juha Muilu Group; Institute for Molecular Medicine Finland (FIMM)
Classification: Pathogenic for Lethal arthrogryposis with anterior horn cell disease. Review status: no assertion criteria provided. Collection method: not provided. Allele origin: unknown. Not counted in ClinVar's aggregate classification.
Comment: FinDis database variant: This variant was not found or characterized by our laboratory, data were collected from public sources: see reference
ClinVar note: Converted during submission from pathogenic to Pathogenic.

Literature cited by the submitters: PubMed 18204449 (cited by 3 submitters); PubMed 7770128 (cited by Labcorp Genetics (formerly Invitae), Labcorp); PubMed 16892327 (cited by Labcorp Genetics (formerly Invitae), Labcorp); PubMed 24243016 (cited by Labcorp Genetics (formerly Invitae), Labcorp and OMIM).

NM_001003722.2(GLE1):c.433-10A>G

Gene: GLE1 (GLE1 RNA export mediator; plus strand). Cytogenetic location: 9q34.11.
Variant type: single nucleotide variant.
Coding change: c.433-10A>G on transcript NM_001003722.2 (MANE Select); 10 bases into the intron before coding-DNA position 433, A replaced by G.
Molecular consequence: intron variant.
Genome position (GRCh38, 1-based): chr9:128,522,658, A>G. VCF-style: chr9-128522658-A-G. GRCh37 (hg19) VCF-style: chr9-131284937-A-G.
Other names: IVS3AS, A-G, -10; c.433-10A>G (NM_001499.2).
Identifiers: ClinVar variation 6462 (VCV000006462.17), dbSNP rs386833693, ClinGen allele CA144211.